The following is an entry in ClinVar:

ClinVar aggregate classification (germline): Uncertain significance (1 of 4 stars; one submission).

Conditions:
Dyskeratosis congenita, autosomal dominant 2. Identifiers: MedGen C3151443, MONDO:0013521, OMIM 613989.
Idiopathic Pulmonary Fibrosis. Also called: Idiopathic fibrosing alveolitis, chronic form; idiopathic fibrosing alveolitis. Identifiers: Orphanet 2032, MedGen C1800706, MeSH D054990, MONDO:0800504.

Allele frequency attached by ClinVar (database versions not stated): gnomAD exomes below 0.00001; ExAC 0.00001.
gnomAD v4.1: 1 of 1,614,112 alleles (0.000062%); highest among the groups gnomAD compares: South Asian, 0.0011%; no homozygotes.

Submission:

Labcorp Genetics (formerly Invitae), Labcorp
Classification: Uncertain significance for Dyskeratosis congenita, autosomal dominant 2; Idiopathic Pulmonary Fibrosis. Last evaluated: 2024-04-29. Review status: criteria provided, single submitter. Criteria: Invitae Variant Classification Sherloc (09022015). Collection method: clinical testing. Allele origin: germline.
Comment: This sequence change replaces lysine, which is basic and polar, with asparagine, which is neutral and polar, at codon 649 of the TERT protein (p.Lys649Asn). This variant is present in population databases (rs749719489, gnomAD 0.006%). This variant has not been reported in the literature in individuals affected with TERT-related conditions. Advanced modeling of protein sequence and biophysical properties (such as structural, functional, and spatial information, amino acid conservation, physicochemical variation, residue mobility, and thermodynamic stability) has been performed at Invitae for this missense variant, however the output from this modeling did not meet the statistical confidence thresholds required to predict the impact of this variant on TERT protein function. In summary, the available evidence is currently insufficient to determine the role of this variant in disease. Therefore, it has been classified as a Variant of Uncertain Significance.

NM_198253.3(TERT):c.1947G>C (p.Lys649Asn)

Gene: TERT (telomerase reverse transcriptase; minus strand). Cytogenetic location: 5p15.33.
Variant type: single nucleotide variant.
Coding change: c.1947G>C on transcript NM_198253.3 (MANE Select); coding-DNA position 1947, G replaced by C.
Protein change: p.Lys649Asn; replaces lysine 649 with asparagine.
Molecular consequence: missense variant. On other transcripts: non-coding transcript variant (2).
Genome position (GRCh38, 1-based): chr5:1,280,161, C>G on the plus strand (G>C on the coding strand, the complement: TERT is on the minus strand). VCF-style: chr5-1280161-C-G. GRCh37 (hg19) VCF-style: chr5-1280276-C-G.
Other names: c.1947G>C, p.Lys649Asn (NM_001193376.3, NM_003219.1); short protein forms K649N.
Identifiers: ClinVar variation 2932171 (VCV002932171.3), dbSNP rs749719489, ClinGen allele CA3184720.